The following continues an entry in ClinVar:

NM_000258.3(MYL3):c.466G>A (p.Val156Met)

Gene: MYL3. ClinVar aggregate classification (germline): Conflicting classifications of pathogenicity. Pathogenic (2); Likely pathogenic (5); Uncertain significance (6).

Submissions 11 to 15 of 15:

3billion
Classification: Likely pathogenic for Hypertrophic cardiomyopathy 8. Last evaluated: 2022-01-03. Review status: criteria provided, single submitter. Criteria: ACMG Guidelines, 2015. Collection method: clinical testing. Allele origin: germline. Affected: yes. Observed: 1 heterozygote.
Comment: Same nucleotide change resulting in same amino acid change has been previously reported to be associated with MYL3 related disorder (PMID:16754800, PS1_P). A different missense change at the same codon has been reported to be associated with MYL3 related disorder (PMID:25132132, PM5_P). In silico tool predictions suggest damaging effect of the variant on gene or gene product (REVEL: 0.926, 3CNET: 0.975, PP3_P). A missense variant is a common mechanism associated with Cardiomyopathy (PP2_P). It is observed at an extremely low frequency in the gnomAD v2.1.1 dataset (total allele frequency: 0.000021, PM2_M). Therefore, this variant is classified as likely pathogenic according to the recommendation of ACMG/AMP guideline.

Laboratory for Molecular Medicine, Mass General Brigham Personalized Medicine
Classification: Uncertain significance. Last evaluated: 2019-04-04. Review status: criteria provided, single submitter. Criteria: ACMG Guidelines, 2015. Collection method: clinical testing. Allele origin: germline.
Comment: Disclaimer: This variant has not undergone full assessment. The following are preliminary notes: This variant has been reported in one individual with HCM (Berge 2014) and two FHS offspring, neither of whom had LVWT >13 mm, but one had left atrial enlargement and enhanced fractional shortening (Morita 2006). Clinvar: VUS (GeneDx, Invitae, CSER, Ambry, Montreal Heart Institute). Gnomad: 0.004% (1 AFR allele, 5 NFE alleles).

Juno Genomics, Hangzhou Juno Genomics, Inc
Classification: Likely pathogenic for Hypertrophic cardiomyopathy 8. Review status: criteria provided, single submitter. Criteria: ACMG Guidelines, 2015. Collection method: clinical testing. Allele origin: germline.
Comment: Absent from controls (or at extremely low frequency if recessive) in Genome Aggregation Database.;Multiple lines of computational evidence support a deleterious effect on the gene or gene product.;The prevalence of the variant in affected individuals is significantly increased compared to the prevalence in controls.;Novel missense change at an amino acid residue where a different missense change determined to be pathogenic has been seen before.

CSER _CC_NCGL, University of Washington
Classification: Uncertain significance for Increased left ventricular wall thickness. Last evaluated: 2014-06-01. Review status: no assertion criteria provided. Collection method: research. Allele origin: germline. Inheritance: Autosomal dominant inheritance. Study: ESP 6500 variant annotation. Not counted in ClinVar's aggregate classification.
Comment: Variants classified for the Actionable exomic incidental findings in 6503 participants: challenges of variant classification manuscript

Leiden Muscular Dystrophy (MYL3)
No classification provided. Last evaluated: 2012-03-18. Review status: no classification provided. Collection method: curation. Allele origin: germline. Not counted in ClinVar's aggregate classification.

Literature cited by the submitters: PubMed 16754800 (cited by 5 submitters); PubMed 23549607 (cited by 4 submitters); PubMed 24111713 (cited by 4 submitters); PubMed 27532257 (cited by 5 submitters); PubMed 25132132 (cited by Labcorp Genetics (formerly Invitae), Labcorp and 3billion); PubMed 25611685 (cited by Labcorp Genetics (formerly Invitae), Labcorp); PubMed 31737537 (cited by Labcorp Genetics (formerly Invitae), Labcorp); PubMed 33495597 (cited by 3 submitters); PubMed 37466024 (cited by Color Diagnostics, LLC DBA Color Health and Ambry Genetics); PubMed 22958901 (cited by Ambry Genetics); PubMed 25637381 (cited by Ambry Genetics); PubMed 30665703 (cited by Ambry Genetics); PubMed 35653365 (cited by Ambry Genetics).